The following is an entry in ClinVar:

ClinVar aggregate classification (germline): Pathogenic (1 of 4 stars; one submission).

Conditions:
Chédiak-Higashi syndrome (CHS). Also called: Chediak-Higashi Syndrome. Identifiers: Orphanet 167, MedGen C0007965, MONDO:0008963, OMIM 214500.

Submission:

Labcorp Genetics (formerly Invitae), Labcorp
Classification: Pathogenic for Chédiak-Higashi syndrome. Last evaluated: 2025-03-13. Review status: criteria provided, single submitter. Criteria: Invitae Variant Classification Sherloc (09022015). Collection method: clinical testing. Allele origin: germline.
Comment: This sequence change creates a premature translational stop signal (p.Glu534*) in the LYST gene. It is expected to result in an absent or disrupted protein product. Loss-of-function variants in LYST are known to be pathogenic (PMID: 9215679, 11857544). This variant is not present in population databases (gnomAD no frequency). This variant has not been reported in the literature in individuals affected with LYST-related conditions. ClinVar contains an entry for this variant (Variation ID: 2815212). For these reasons, this variant has been classified as Pathogenic.

Literature cited by the submitters: PubMed 9215679; PubMed 11857544.

NM_000081.4(LYST):c.1599dup (p.Glu534Ter)

Gene: LYST (lysosomal trafficking regulator; minus strand). Cytogenetic location: 1q42.3.
Variant type: Duplication.
Coding change: c.1599dup on transcript NM_000081.4 (MANE Select); coding-DNA position 1599, one base duplicated (T; older notation c.1599dupT).
Protein change: p.Glu534Ter; replaces glutamic acid 534 with a stop codon.
Molecular consequence: nonsense.
Genome position (GRCh38, 1-based): chr1:235,809,219, A duplicated on the plus strand (T on the coding strand, the reverse complement: LYST is on the minus strand); the first of 3 consecutive A bases (chr1:235,809,219-235,809,221); duplicating any one gives the same sequence. VCF-style (leftmost placement, unchanged base first): chr1-235809218-C-CA. GRCh37 (hg19) VCF-style: chr1-235972518-C-CA.
Other names: c.1599dup, p.Glu534Ter (NM_001301365.1); short protein forms E534*.
Identifiers: ClinVar variation 2815212 (VCV002815212.3), dbSNP rs2527113160, ClinGen allele CA2739274000.